The following is an entry in ClinVar:

ClinVar aggregate classification (germline): Pathogenic (1 of 4 stars; one submission).

Conditions:
Carnitine palmitoyl transferase 1A deficiency. Also called: CPT I DEFICIENCY; CPT DEFICIENCY, HEPATIC, TYPE I; Carnitine palmitoyltransferase 1A deficiency; Carnitine palmitoyltransferase type I deficiency; CPT deficiency, hepatic, type IA. Identifiers: Orphanet 156, MedGen C1829703, MONDO:0009705, OMIM 255120.

Submission:

Labcorp Genetics (formerly Invitae), Labcorp
Classification: Pathogenic for Carnitine palmitoyl transferase 1A deficiency. Last evaluated: 2022-11-30. Review status: criteria provided, single submitter. Criteria: Invitae Variant Classification Sherloc (09022015). Collection method: clinical testing. Allele origin: germline.
Comment: This sequence change creates a premature translational stop signal (p.Leu684Ilefs*14) in the CPT1A gene. It is expected to result in an absent or disrupted protein product. Loss-of-function variants in CPT1A are known to be pathogenic (PMID: 16169268). This variant is not present in population databases (gnomAD no frequency). This variant has not been reported in the literature in individuals affected with CPT1A-related conditions. For these reasons, this variant has been classified as Pathogenic.

Literature cited by the submitters: PubMed 16169268.

NM_001876.4(CPT1A):c.2050_2051del (p.Leu684fs)

Gene: CPT1A (carnitine palmitoyltransferase 1A; minus strand). Cytogenetic location: 11q13.3.
Variant type: Deletion.
Coding change: c.2050_2051del on transcript NM_001876.4 (MANE Select); coding-DNA positions 2050 to 2051, 2 bases deleted (TT; older notation c.2050_2051delTT).
Protein change: p.Leu684fs; shifts the reading frame from leucine 684.
Molecular consequence: frameshift variant.
Genome position (GRCh38, 1-based): chr11:68,760,316-68,760,317, AA deleted on the plus strand (TT on the coding strand, the reverse complement: CPT1A is on the minus strand). VCF-style (leftmost placement, unchanged base first): chr11-68760315-TAA-T. GRCh37 (hg19) VCF-style: chr11-68527783-TAA-T.
Other names: c.2050_2051del, p.Leu684fs (NM_001031847.3); short protein forms L684fs.
Identifiers: ClinVar variation 2817600 (VCV002817600.3), dbSNP rs2495506424, ClinGen allele CA2739270618.